The following is an entry in ClinVar:

ClinVar aggregate classification (germline): Likely benign (1 of 4 stars; one submission).

Conditions:
ORAI1-related disorder. Also called: ORAI1-related condition.

Submission:

PreventionGenetics, part of Exact Sciences
Classification: Likely benign for ORAI1-related condition. Last evaluated: 2026-04-05. Review status: criteria provided, single submitter. Criteria: ACMG Guidelines, 2015. Collection method: clinical testing. Allele origin: germline.
Comment: This variant is classified as likely benign based on ACMG/AMP sequence variant interpretation guidelines (Richards et al. 2015 PMID: 25741868, with internal and published modifications).

NM_032790.3(ORAI1):c.366C>T

Gene: ORAI1 (ORAI calcium release-activated calcium modulator 1; plus strand). Cytogenetic location: 12q24.31.
Variant type: single nucleotide variant.
Coding change: c.366C>T on transcript NM_032790.3; coding-DNA position 366, C replaced by T.
Molecular consequence: non-coding transcript variant (on NR_186857.1).
Genome position (GRCh38, 1-based): chr12:121,641,103, C>T. VCF-style: chr12-121641103-C-T. GRCh37 (hg19) VCF-style: chr12-122079009-C-T.
Identifiers: ClinVar variation 4985742 (VCV004985742.1).